The following is an entry in ClinVar:

NM_004385.5(VCAN):c.386G>A (p.Arg129His)

Gene: VCAN (versican; plus strand). Cytogenetic location: 5q14.2.
Variant type: single nucleotide variant.
Coding change: c.386G>A on transcript NM_004385.5 (MANE Select); coding-DNA position 386, G replaced by A.
Protein change: p.Arg129His; replaces arginine 129 with histidine.
Molecular consequence: missense variant.
Genome position (GRCh38, 1-based): chr5:83,490,413, G>A. VCF-style: chr5-83490413-G-A. GRCh37 (hg19) VCF-style: chr5-82786232-G-A.
Other names: c.386G>A (NM_004385.4); c.386G>A, p.Arg129His (NM_001126336.3, NM_001164097.2, NM_001164098.2); short protein forms R129H.
Identifiers: ClinVar variation 1047509 (VCV001047509.13), dbSNP rs370476323, ClinGen allele CA3332438.

ClinVar aggregate classification (germline): Uncertain significance. Review status: criteria provided, multiple submitters, no conflicts (2 of 4 stars). 2 submissions from 2 submitters: Uncertain significance (2). Last evaluated 2025-08-14.

Conditions:
Inborn genetic diseases. Identifiers: MedGen C0950123, MeSH D030342.

Allele frequency attached by ClinVar (database versions not stated): gnomAD 0.00003; TOPMed 0.00003; ExAC 0.00004; ESP Exome Variant Server 0.00008.

Submissions (2):

Labcorp Genetics (formerly Invitae), Labcorp
Classification: Uncertain significance. Last evaluated: 2025-08-14. Review status: criteria provided, single submitter. Criteria: Invitae Variant Classification Sherloc (09022015). Collection method: clinical testing. Allele origin: germline.
Comment: This sequence change replaces arginine, which is basic and polar, with histidine, which is basic and polar, at codon 129 of the VCAN protein (p.Arg129His). This variant is present in population databases (rs370476323, gnomAD 0.01%). This variant has not been reported in the literature in individuals affected with VCAN-related conditions. ClinVar contains an entry for this variant (Variation ID: 1047509). An algorithm developed to predict the effect of missense changes on protein structure and function (PolyPhen-2) suggests that this variant is likely to be disruptive. In summary, the available evidence is currently insufficient to determine the role of this variant in disease. Therefore, it has been classified as a Variant of Uncertain Significance.

Ambry Genetics
Classification: Uncertain significance for Inborn genetic diseases. Last evaluated: 2023-06-07. Review status: criteria provided, single submitter. Criteria: Ambry Variant Classification Scheme 2023. Collection method: clinical testing. Allele origin: germline.